The following is an entry in ClinVar:

NM_004168.4(SDHA):c.1273G>T (p.Val425Leu)

Gene: SDHA (succinate dehydrogenase complex flavoprotein subunit A; plus strand). Cytogenetic location: 5p15.33.
Variant type: single nucleotide variant.
Coding change: c.1273G>T on transcript NM_004168.4 (MANE Select); coding-DNA position 1273, G replaced by T.
Protein change: p.Val425Leu; replaces valine 425 with leucine.
Molecular consequence: missense variant.
Genome position (GRCh38, 1-based): chr5:236,440, G>T. VCF-style: chr5-236440-G-T. GRCh37 (hg19) VCF-style: chr5-236555-G-T.
Other names: c.1129G>T, p.Val377Leu (NM_001294332.2); c.1273G>T, p.Val425Leu (NM_001330758.2); short protein forms V425L, V377L.
Identifiers: ClinVar variation 472317 (VCV000472317.20), dbSNP rs201822097, ClinGen allele CA3173180.

ClinVar aggregate classification (germline): Uncertain significance. Review status: criteria provided, multiple submitters, no conflicts (2 of 4 stars). 6 submissions from 6 submitters: Uncertain significance (6). Last evaluated 2026-10-01.

Conditions:
SDHA-related disorder. Also called: SDHA-related condition; SDHA-related disorders.
Pheochromocytoma/paraganglioma syndrome 5. Also called: SDHA-Related Hereditary Paraganglioma-Pheochromocytoma Syndrome; Paragangliomas 5. Identifiers: Orphanet 29072, MedGen C3279992, MONDO:0013602, OMIM 614165.
Mitochondrial complex II deficiency, nuclear type 1. Also called: SUCCINATE CoQ REDUCTASE DEFICIENCY. Identifiers: Orphanet 3208, MedGen C5700310, MONDO:0100294, OMIM 252011.
Hereditary cancer-predisposing syndrome. Also called: Hereditary neoplastic syndrome; Tumor predisposition; Neoplastic Syndromes, Hereditary; Hereditary Cancer Syndrome. Identifiers: Orphanet 140162, MedGen C0027672, MeSH D009386, MONDO:0015356.
Dilated cardiomyopathy 1GG (CMD1GG). Identifiers: Orphanet 154, MedGen C3150898, MONDO:0013339, OMIM 613642.

Allele frequency attached by ClinVar (database versions not stated): TOPMed 0.00005.
gnomAD v4.1: 9 of 1,613,762 alleles (0.00056%); highest among the groups gnomAD compares: Middle Eastern, 0.017%; no homozygotes.

Submissions (6):

St. Jude Molecular Pathology, St. Jude Children's Research Hospital
Classification: Uncertain significance for Pheochromocytoma/paraganglioma syndrome 5. Last evaluated: 2026-10-01. Review status: criteria provided, single submitter. Criteria: St. Jude Assertion Criteria 2020. Collection method: clinical testing. Allele origin: germline.
Comment: The SDHA c.1273G>T p.(Val425Leu) missense change has a maximum subpopulation frequency of 0.014% in gnomAD v2.1.1. The in silico tool REVEL predicts a benign effect on protein function, but to our knowledge this prediction has not been confirmed by functional studies. To our knowledge, this variant has not been reported in individua ls with SDHA-associated tumors. In summary, the evidence currently available is insufficient to determine the clinical significance of this variant. It has therefore been classified as of uncertain significance (VUS-Low).

Labcorp Genetics (formerly Invitae), Labcorp
Classification: Uncertain significance for Pheochromocytoma/paraganglioma syndrome 5; Mitochondrial complex II deficiency, nuclear type 1. Last evaluated: 2026-01-05. Review status: criteria provided, single submitter. Criteria: Invitae Variant Classification Sherloc (09022015). Collection method: clinical testing. Allele origin: germline.
Comment: This sequence change replaces valine, which is neutral and non-polar, with leucine, which is neutral and non-polar, at codon 425 of the SDHA protein (p.Val425Leu). This variant is present in population databases (rs201822097, gnomAD 0.01%). This variant has not been reported in the literature in individuals affected with SDHA-related conditions. ClinVar contains an entry for this variant (Variation ID: 472317). Invitae Evidence Modeling of protein sequence and biophysical properties (such as structural, functional, and spatial information, amino acid conservation, physicochemical variation, residue mobility, and thermodynamic stability) indicates that this missense variant is not expected to disrupt SDHA protein function with a negative predictive value of 95%. In summary, the available evidence is currently insufficient to determine the role of this variant in disease. Therefore, it has been classified as a Variant of Uncertain Significance.

PreventionGenetics, part of Exact Sciences
Classification: Uncertain significance for SDHA-related condition. Last evaluated: 2025-10-31. Review status: criteria provided, single submitter. Criteria: ACMG Guidelines, 2015. Collection method: clinical testing. Allele origin: germline.
Comment: The SDHA c.1273G>T variant is predicted to result in the amino acid substitution p.Val425Leu. To our knowledge, this variant has not been reported in the literature. This variant is reported in 0.014% of alleles in individuals of Latino descent in gnomAD and is reported in ClinVar as a variant of uncertain significance. At this time, the clinical significance of this variant is uncertain due to the absence of conclusive functional and genetic evidence.

Ambry Genetics
Classification: Uncertain significance for Hereditary cancer-predisposing syndrome. Last evaluated: 2025-07-08. Review status: criteria provided, single submitter. Criteria: Ambry Variant Classification Scheme 2023. Collection method: clinical testing. Allele origin: germline.
Comment: The p.V425L variant (also known as c.1273G>T), located in coding exon 10 of the SDHA gene, results from a G to T substitution at nucleotide position 1273. The valine at codon 425 is replaced by leucine, an amino acid with highly similar properties. This variant was reported in individual(s) with features consistent with SDHA-related hereditary pheochromocytoma-paraganglioma (Ambry internal data). This amino acid position is well conserved in available vertebrate species. In addition, this alteration is predicted to be tolerated by in silico analysis. Based on the available evidence, the clinical significance of this variant remains unclear.

Baylor Genetics
Classification: Uncertain significance for Dilated cardiomyopathy 1GG. Last evaluated: 2023-11-02. Review status: criteria provided, single submitter. Criteria: ACMG Guidelines, 2015. Collection method: clinical testing. Allele origin: unknown.

Blueprint Genetics
Classification: Uncertain significance. Last evaluated: 2023-03-31. Review status: criteria provided, single submitter. Criteria: ACMG Guidelines, 2015. Collection method: clinical testing. Allele origin: germline.